The following is an entry in ClinVar:

NM_018127.7(ELAC2):c.1937A>G (p.Lys646Arg)

Gene: ELAC2 (elaC ribonuclease Z 2; minus strand). Cytogenetic location: 17p12.
Variant type: single nucleotide variant.
Coding change: c.1937A>G on transcript NM_018127.7 (MANE Select); coding-DNA position 1937, A replaced by G.
Protein change: p.Lys646Arg; replaces lysine 646 with arginine.
Molecular consequence: missense variant.
Genome position (GRCh38, 1-based): chr17:12,994,856, T>C on the plus strand (A>G on the coding strand, the complement: ELAC2 is on the minus strand). VCF-style: chr17-12994856-T-C. GRCh37 (hg19) VCF-style: chr17-12898173-T-C.
Other names: c.1817A>G, p.Lys606Arg (NM_001165962.2); c.1934A>G, p.Lys645Arg (NM_173717.2); short protein forms K606R, K645R, K646R.
Identifiers: ClinVar variation 1926193 (VCV001926193.5), dbSNP rs1438756175, ClinGen allele CA398223185.

ClinVar aggregate classification (germline): Uncertain significance (1 of 4 stars; one submission).

Conditions:
Combined oxidative phosphorylation defect type 17. Also called: Combined oxidative phosphorylation deficiency 17. Identifiers: Orphanet 369913, MedGen C3809526, MONDO:0014190, OMIM 615440.

Allele frequency attached by ClinVar (database versions not stated): gnomAD exomes below 0.00001.
gnomAD v4.1: 4 of 1,614,074 alleles (0.00025%); highest among the groups gnomAD compares: Admixed American, 0.0033%; no homozygotes.

Submission:

Labcorp Genetics (formerly Invitae), Labcorp
Classification: Uncertain significance for Combined oxidative phosphorylation defect type 17. Last evaluated: 2022-07-28. Review status: criteria provided, single submitter. Criteria: Invitae Variant Classification Sherloc (09022015). Collection method: clinical testing. Allele origin: germline.
Comment: In summary, the available evidence is currently insufficient to determine the role of this variant in disease. Therefore, it has been classified as a Variant of Uncertain Significance. This sequence change replaces lysine, which is basic and polar, with arginine, which is basic and polar, at codon 646 of the ELAC2 protein (p.Lys646Arg). Algorithms developed to predict the effect of sequence changes on RNA splicing suggest that this variant may create or strengthen a splice site. Algorithms developed to predict the effect of missense changes on protein structure and function output the following: SIFT: "Tolerated"; PolyPhen-2: "Benign"; Align-GVGD: "Class C0". The arginine amino acid residue is found in multiple mammalian species, which suggests that this missense change does not adversely affect protein function. This variant has not been reported in the literature in individuals affected with ELAC2-related conditions. This variant is present in population databases (no rsID available, gnomAD 0.003%).